The following is an entry in ClinVar:

ClinVar aggregate classification (germline): Uncertain significance (1 of 4 stars; one submission).

Submission:

Labcorp Genetics (formerly Invitae), Labcorp
Classification: Uncertain significance. Last evaluated: 2023-12-26. Review status: criteria provided, single submitter. Criteria: Invitae Variant Classification Sherloc (09022015). Collection method: clinical testing. Allele origin: germline.
Comment: This sequence change replaces glutamic acid, which is acidic and polar, with aspartic acid, which is acidic and polar, at codon 1285 of the LRP5 protein (p.Glu1285Asp). This variant is not present in population databases (gnomAD no frequency). This variant has not been reported in the literature in individuals affected with LRP5-related conditions. Advanced modeling of protein sequence and biophysical properties (such as structural, functional, and spatial information, amino acid conservation, physicochemical variation, residue mobility, and thermodynamic stability) performed at Invitae indicates that this missense variant is not expected to disrupt LRP5 protein function with a negative predictive value of 95%. In summary, the available evidence is currently insufficient to determine the role of this variant in disease. Therefore, it has been classified as a Variant of Uncertain Significance.

NM_002335.4(LRP5):c.3855G>C (p.Glu1285Asp)

Gene: LRP5 (LDL receptor related protein 5; plus strand). Cytogenetic location: 11q13.2.
Variant type: single nucleotide variant.
Coding change: c.3855G>C on transcript NM_002335.4 (MANE Select); coding-DNA position 3855, G replaced by C.
Protein change: p.Glu1285Asp; replaces glutamic acid 1285 with aspartic acid.
Molecular consequence: missense variant.
Genome position (GRCh38, 1-based): chr11:68,433,693, G>C. VCF-style: chr11-68433693-G-C. GRCh37 (hg19) VCF-style: chr11-68201161-G-C.
Other names: c.2112G>C, p.Glu704Asp (NM_001291902.2); short protein forms E1285D, E704D.
Identifiers: ClinVar variation 2705592 (VCV002705592.3), dbSNP rs1047306435, ClinGen allele CA224250893.